The following is an entry in ClinVar:

NM_004360.5(CDH1):c.601C>A (p.Pro201Thr)

Gene: CDH1 (cadherin 1; plus strand). Cytogenetic location: 16q22.1.
Variant type: single nucleotide variant.
Coding change: c.601C>A on transcript NM_004360.5 (MANE Select); coding-DNA position 601, C replaced by A.
Protein change: p.Pro201Thr; replaces proline 201 with threonine.
Molecular consequence: missense variant. On other transcripts: 5 prime UTR variant (2).
Genome position (GRCh38, 1-based): chr16:68,808,762, C>A. VCF-style: chr16-68808762-C-A. GRCh37 (hg19) VCF-style: chr16-68842665-C-A.
Other names: c.601C>A, p.Pro201Thr (NM_001317184.2); c.-1015C>A (NM_001317185.2); c.-1219C>A (NM_001317186.2); short protein forms P201T.
Identifiers: ClinVar variation 3241032 (VCV003241032.3), dbSNP rs2152130165.

ClinVar aggregate classification (germline): Uncertain significance. Review status: criteria provided, multiple submitters, no conflicts (2 of 4 stars). 3 submissions from 3 submitters: Uncertain significance (3). Last evaluated 2025-11-13.

Conditions:
Hereditary diffuse gastric adenocarcinoma (HDGC). Also called: DIFFUSE GASTRIC AND LOBULAR BREAST CANCER SYNDROME. Identifiers: Orphanet 26106, MedGen C1708349, MONDO:0007648, OMIM 137215.
Hereditary cancer-predisposing syndrome. Also called: Hereditary Cancer Syndrome; Tumor predisposition; Neoplastic Syndromes, Hereditary; Hereditary neoplastic syndrome. Identifiers: Orphanet 140162, MedGen C0027672, MeSH D009386, MONDO:0015356.
Familial cancer of breast. Also called: BREAST CANCER, FAMILIAL; hereditary breast carcinoma; Hereditary breast cancer. Identifiers: Orphanet 227535, MedGen C0346153, MONDO:0016419, OMIM 114480. Disease mechanism: loss of function.

Submissions (3):

Labcorp Genetics (formerly Invitae), Labcorp
Classification: Uncertain significance for Hereditary diffuse gastric adenocarcinoma. Last evaluated: 2025-11-13. Review status: criteria provided, single submitter. Criteria: Invitae Variant Classification Sherloc (09022015). Collection method: clinical testing. Allele origin: germline.
Comment: This sequence change replaces proline, which is neutral and non-polar, with threonine, which is neutral and polar, at codon 201 of the CDH1 protein (p.Pro201Thr). This variant is not present in population databases (gnomAD no frequency). This variant has not been reported in the literature in individuals affected with CDH1-related conditions. ClinVar contains an entry for this variant (Variation ID: 3241032). An algorithm developed to predict the effect of missense changes on protein structure and function (PolyPhen-2) suggests that this variant is likely to be disruptive. In summary, the available evidence is currently insufficient to determine the role of this variant in disease. Therefore, it has been classified as a Variant of Uncertain Significance.

Ambry Genetics
Classification: Uncertain significance for Hereditary cancer-predisposing syndrome. Last evaluated: 2024-10-25. Review status: criteria provided, single submitter. Criteria: Ambry Variant Classification Scheme 2023. Collection method: clinical testing. Allele origin: germline.
Comment: The p.P201T variant (also known as c.601C>A), located in coding exon 5 of the CDH1 gene, results from a C to A substitution at nucleotide position 601. The proline at codon 201 is replaced by threonine, an amino acid with highly similar properties. This amino acid position is conserved. In addition, the in silico prediction for this alteration is inconclusive. Based on the available evidence, the clinical significance of this variant remains unclear.

Baylor Genetics
Classification: Uncertain significance for Familial cancer of breast. Last evaluated: 2023-11-22. Review status: criteria provided, single submitter. Criteria: ACMG Guidelines, 2015. Collection method: clinical testing. Allele origin: unknown.